The following is an entry in ClinVar:

NM_004260.4(RECQL4):c.680T>C (p.Val227Ala)

Gene: RECQL4 (RecQ like helicase 4; minus strand). Cytogenetic location: 8q24.3.
Variant type: single nucleotide variant.
Coding change: c.680T>C on transcript NM_004260.4 (MANE Select); coding-DNA position 680, T replaced by C.
Protein change: p.Val227Ala; replaces valine 227 with alanine.
Molecular consequence: missense variant. On other transcripts: 5 prime UTR variant (15), non-coding transcript variant (3), intron variant (3).
Genome position (GRCh38, 1-based): chr8:144,516,439, A>G on the plus strand (T>C on the coding strand, the complement: RECQL4 is on the minus strand). VCF-style: chr8-144516439-A-G. GRCh37 (hg19) VCF-style: chr8-145741823-A-G.
Other names: c.680T>C, p.Val227Ala (NM_001413017.1, NM_001413018.1, NM_001413019.1 and 4 more transcripts); c.-392T>C (NM_001413022.1, NM_001413023.1, NM_001413024.1 and 5 more transcripts); c.551T>C, p.Val184Ala (NM_001413025.1); c.-454T>C (NM_001413027.1, NM_001413030.1, NM_001413031.1 and 2 more transcripts); c.-296T>C (NM_001413034.1); c.-661T>C (NM_001413043.1); c.355-26T>C (NM_001413029.1); c.-366-26T>C (NM_001413021.1, NM_001413028.1); short protein forms V227A, V184A.
Identifiers: ClinVar variation 4841576 (VCV004841576.1).
Genomic context (GRCh38, chr8:144,516,439, plus strand): 5'-ATGCTGACTTCTTGGAAGGCTGAAGCCTCTGGGCCCTGGGAGCCAGCACCAGGACCAAGG[A>G]CAGCCGACTCACCAGGGATCAGAAGTTGTGATTCCTCTGAGCCTAGATCAGGCCTGCAGG-3'
Protein context (NP_004251.4, residues 217-237): SQLLIPGESA[Val227Ala]LGPGAGSQGP

ClinVar aggregate classification (germline): Uncertain significance (1 of 4 stars; one submission).

Conditions:
Inborn genetic diseases. Identifiers: MedGen C0950123, MeSH D030342.

Submission:

Ambry Genetics
Classification: Uncertain significance for Inborn genetic diseases. Last evaluated: 2026-01-14. Review status: criteria provided, single submitter. Criteria: Ambry Variant Classification Scheme 2023. Collection method: clinical testing. Allele origin: germline.
Comment: The p.V227A variant (also known as c.680T>C), located in coding exon 5 of the RECQL4 gene, results from a T to C substitution at nucleotide position 680. The valine at codon 227 is replaced by alanine, an amino acid with similar properties. This amino acid position is conserved. In addition, this alteration is predicted to be tolerated by in silico analysis. Based on the available evidence, the clinical significance of this variant remains unclear.